The following is an entry in ClinVar:

ClinVar aggregate classification (germline): Uncertain significance (1 of 4 stars; one submission).

gnomAD v4.1: 1 of 1,525,340 alleles (0.000066%); highest among the groups gnomAD compares: Admixed American, 0.0019%; no homozygotes.

Submission:

Labcorp Genetics (formerly Invitae), Labcorp
Classification: Uncertain significance. Last evaluated: 2022-03-20. Review status: criteria provided, single submitter. Criteria: Invitae Variant Classification Sherloc (09022015). Collection method: clinical testing. Allele origin: germline.
Comment: In summary, the available evidence is currently insufficient to determine the role of this variant in disease. Therefore, it has been classified as a Variant of Uncertain Significance. Algorithms developed to predict the effect of missense changes on protein structure and function are either unavailable or do not agree on the potential impact of this missense change (SIFT: "Deleterious"; PolyPhen-2: "Benign"; Align-GVGD: "Class C0"). This variant has not been reported in the literature in individuals affected with CCDC88A-related conditions. This variant is not present in population databases (gnomAD no frequency). This sequence change replaces isoleucine, which is neutral and non-polar, with threonine, which is neutral and polar, at codon 81 of the CCDC88A protein (p.Ile81Thr).

NM_001365480.1(CCDC88A):c.242T>C (p.Ile81Thr)

Gene: CCDC88A (coiled-coil and HOOK domain protein 88A; minus strand). Cytogenetic location: 2p16.1.
Variant type: single nucleotide variant.
Coding change: c.242T>C on transcript NM_001365480.1 (MANE Select); coding-DNA position 242, T replaced by C.
Protein change: p.Ile81Thr; replaces isoleucine 81 with threonine.
Molecular consequence: missense variant.
Genome position (GRCh38, 1-based): chr2:55,388,809, A>G on the plus strand (T>C on the coding strand, the complement: CCDC88A is on the minus strand). VCF-style: chr2-55388809-A-G. GRCh37 (hg19) VCF-style: chr2-55615945-A-G.
Other names: c.242T>C, p.Ile81Thr (NM_001135597.2, NM_001254943.2, NM_018084.5); short protein forms I81T.
Identifiers: ClinVar variation 2095172 (VCV002095172.4), dbSNP rs1158046207, ClinGen allele CA346905041.